The following is an entry in ClinVar:

ClinVar aggregate classification (germline): Uncertain significance (1 of 4 stars; one submission).

Conditions:
Familial cold autoinflammatory syndrome 3 (FCAS3). Also called: FAMILIAL ATYPICAL COLD URTICARIA; ANTIBODY DEFICIENCY AND IMMUNE DYSREGULATION, PLCG2-ASSOCIATED. Identifiers: Orphanet 300359, MedGen C3280914, MONDO:0013766, OMIM 614468.

Submission:

Labcorp Genetics (formerly Invitae), Labcorp
Classification: Uncertain significance for Familial cold autoinflammatory syndrome 3. Last evaluated: 2024-02-21. Review status: criteria provided, single submitter. Criteria: Invitae Variant Classification Sherloc (09022015). Collection method: clinical testing. Allele origin: germline.
Comment: This sequence change replaces leucine, which is neutral and non-polar, with valine, which is neutral and non-polar, at codon 1177 of the PLCG2 protein (p.Leu1177Val). This variant is not present in population databases (gnomAD no frequency). This variant has not been reported in the literature in individuals affected with PLCG2-related conditions. An algorithm developed to predict the effect of missense changes on protein structure and function (PolyPhen-2) suggests that this variant is likely to be disruptive. In summary, the available evidence is currently insufficient to determine the role of this variant in disease. Therefore, it has been classified as a Variant of Uncertain Significance.

NM_002661.5(PLCG2):c.3529C>G (p.Leu1177Val)

Gene: PLCG2 (phospholipase C gamma 2; plus strand). Cytogenetic location: 16q23.3.
Variant type: single nucleotide variant.
Coding change: c.3529C>G on transcript NM_002661.5 (MANE Select); coding-DNA position 3529, C replaced by G.
Protein change: p.Leu1177Val; replaces leucine 1177 with valine.
Molecular consequence: missense variant.
Genome position (GRCh38, 1-based): chr16:81,946,222, C>G. VCF-style: chr16-81946222-C-G. GRCh37 (hg19) VCF-style: chr16-81979827-C-G.
Other names: c.3529C>G, p.Leu1177Val (NM_001425749.1, NM_001425750.1, NM_001425751.1); short protein forms L1177V.
Identifiers: ClinVar variation 3630648 (VCV003630648.2).